The following is an entry in ClinVar:

NM_000528.4(MAN2B1):c.262+1G>A

Gene: MAN2B1 (mannosidase alpha class 2B member 1; minus strand). Cytogenetic location: 19p13.13.
Variant type: single nucleotide variant.
Coding change: c.262+1G>A on transcript NM_000528.4 (MANE Select); the canonical splice donor site of the intron after coding-DNA position 262, G replaced by A.
Molecular consequence: splice donor variant.
Genome position (GRCh38, 1-based): chr19:12,665,702, C>T on the plus strand (G>A on the coding strand, the complement: MAN2B1 is on the minus strand). VCF-style: chr19-12665702-C-T. GRCh37 (hg19) VCF-style: chr19-12776516-C-T.
Other names: c.262+1G>A (NM_001173498.2, NM_001440570.1).
Identifiers: ClinVar variation 4814312 (VCV004814312.1).

ClinVar aggregate classification (germline): Likely pathogenic (1 of 4 stars; one submission).

Conditions:
Deficiency of alpha-mannosidase (MANSA). Also called: Alpha-Mannosidosis; Mannosidosis, alpha-, types I and II; LYSOSOMAL ALPHA-D-MANNOSIDASE DEFICIENCY. Identifiers: Orphanet 61, MedGen C0024748, MONDO:0009561, OMIM 248500.

Submission:

Natera, Inc.
Classification: Likely pathogenic for Alpha-mannosidosis. Last evaluated: 2024-06-05. Review status: criteria provided, single submitter. Criteria: Natera Variant Classification Schema (03/2026). Collection method: clinical testing. Allele origin: germline.
Comment: The c.262+1G>A variant in MAN2B1 is a canonical splice donor site variant predicted to affect pre-mRNA splicing, which may result in an abnormal transcript and altered protein product. This variant is expected to result in nonsense mediated decay, truncation, or a dysfunctional protein product. This variant is rare in the general population with a frequency below the threshold expected for the associated phenotype(s). Given the available evidence, this variant is classified as Likely Pathogenic.